The following is an entry in ClinVar:

ClinVar aggregate classification (germline): Uncertain significance. Review status: criteria provided, multiple submitters, no conflicts (2 of 4 stars). 2 submissions from 2 submitters: Uncertain significance (2). Last evaluated 2025-11-17.

Conditions:
Werner syndrome (WRN). Identifiers: Orphanet 902, MedGen C0043119, MONDO:0010196, OMIM 277700.

Allele frequency attached by ClinVar (database versions not stated): ExAC 0.00002; gnomAD exomes 0.00003; TOPMed 0.00003; gnomAD 0.00004.
gnomAD v4.1: 43 of 1,613,694 alleles (0.0027%); highest among the groups gnomAD compares: Admixed American, 0.0067%; no homozygotes.

Submissions (2):

Labcorp Genetics (formerly Invitae), Labcorp
Classification: Uncertain significance for Werner syndrome. Last evaluated: 2025-11-17. Review status: criteria provided, single submitter. Criteria: Invitae Variant Classification Sherloc (09022015). Collection method: clinical testing. Allele origin: germline.
Comment: This sequence change replaces arginine, which is basic and polar, with glutamine, which is neutral and polar, at codon 741 of the WRN protein (p.Arg741Gln). This variant is present in population databases (rs766561388, gnomAD 0.01%). This variant has not been reported in the literature in individuals affected with WRN-related conditions. ClinVar contains an entry for this variant (Variation ID: 576211). An algorithm developed to predict the effect of missense changes on protein structure and function outputs the following: PolyPhen-2: "Benign". The glutamine amino acid residue is found in multiple mammalian species, which suggests that this missense change does not adversely affect protein function. In summary, the available evidence is currently insufficient to determine the role of this variant in disease. Therefore, it has been classified as a Variant of Uncertain Significance.

Illumina Laboratory Services, Illumina
Classification: Uncertain significance for Werner syndrome. Last evaluated: 2017-04-28. Review status: criteria provided, single submitter. Criteria: ICSL Variant Classification Criteria 13 December 2019. Collection method: clinical testing. Allele origin: germline.

NM_000553.6(WRN):c.2222G>A (p.Arg741Gln)

Gene: WRN (WRN RecQ like helicase; plus strand). Cytogenetic location: 8p12.
Variant type: single nucleotide variant.
Coding change: c.2222G>A on transcript NM_000553.6 (MANE Select); coding-DNA position 2222, G replaced by A.
Protein change: p.Arg741Gln; replaces arginine 741 with glutamine.
Molecular consequence: missense variant.
Genome position (GRCh38, 1-based): chr8:31,111,748, G>A. VCF-style: chr8-31111748-G-A. GRCh37 (hg19) VCF-style: chr8-30969264-G-A.
Other names: short protein forms R741Q.
Identifiers: ClinVar variation 576211 (VCV000576211.12), dbSNP rs766561388, ClinGen allele CA4704673.